The following is an entry in ClinVar:

ClinVar aggregate classification (germline): Pathogenic (1 of 4 stars; one submission).

Conditions:
Brody myopathy. Also called: BRODY DISEASE. Identifiers: Orphanet 53347, MedGen C1832918, MONDO:0010977, OMIM 601003.

Submission:

Labcorp Genetics (formerly Invitae), Labcorp
Classification: Pathogenic for Brody myopathy. Last evaluated: 2025-05-05. Review status: criteria provided, single submitter. Criteria: Invitae Variant Classification Sherloc (09022015). Collection method: clinical testing. Allele origin: germline.
Comment: This sequence change creates a premature translational stop signal (p.Lys686Aspfs*10) in the ATP2A1 gene. It is expected to result in an absent or disrupted protein product. Loss-of-function variants in ATP2A1 are known to be pathogenic (PMID: 8841193, 10914677, 23911890). This variant is not present in population databases (gnomAD no frequency). This variant has not been reported in the literature in individuals affected with ATP2A1-related conditions. ClinVar contains an entry for this variant (Variation ID: 1414230). For these reasons, this variant has been classified as Pathogenic.

Literature cited by the submitters: PubMed 8841193; PubMed 10914677; PubMed 23911890.

NM_004320.6(ATP2A1):c.2056_2057del (p.Lys686fs)

Gene: ATP2A1 (ATPase sarcoplasmic/endoplasmic reticulum Ca2+ transporting 1; plus strand). Cytogenetic location: 16p11.2.
Variant type: Deletion.
Coding change: c.2056_2057del on transcript NM_004320.6 (MANE Select); coding-DNA positions 2056 to 2057, 2 bases deleted (AA; older notation c.2056_2057delAA).
Protein change: p.Lys686fs; shifts the reading frame from lysine 686.
Molecular consequence: frameshift variant.
Genome position (GRCh38, 1-based): chr16:28,900,872-28,900,873, AA deleted. VCF-style (leftmost placement, unchanged base first): chr16-28900871-CAA-C. GRCh37 (hg19) VCF-style: chr16-28912192-CAA-C.
Other names: c.1681_1682del, p.Lys561fs (NM_001286075.2); c.2056_2057del, p.Lys686fs (NM_173201.5); short protein forms K686fs, K561fs.
Identifiers: ClinVar variation 1414230 (VCV001414230.6), dbSNP rs2152213646, ClinGen allele CA2573152281.